The following is an entry in ClinVar:

ClinVar aggregate classification (germline): Uncertain significance (1 of 4 stars; one submission).

Conditions:
Focal segmental glomerulosclerosis 7 (FSGS7). Identifiers: Orphanet 656, MedGen C4014925, MONDO:0014451, OMIM 616002.
Renal coloboma syndrome (PAPRS). Also called: PAPILLORENAL SYNDROME; COLOBOMA OF OPTIC NERVE WITH RENAL DISEASE; PAPILLORENAL SYNDROME WITH MILD OCULAR ABNORMALITIES; CONGENITAL ANOMALIES OF THE KIDNEY AND URINARY TRACT WITH OR WITHOUT OCULAR ABNORMALITIES; CAKUT WITH OR WITHOUT OCULAR ABNORMALITIES; OPTIC COLOBOMA, VESICOURETERAL REFLUX, AND RENAL ANOMALIES. Identifiers: Orphanet 1475, MedGen C1852759, MONDO:0007352, OMIM 120330.

Allele frequency attached by ClinVar (database versions not stated): TOPMed 0.00001; ExAC 0.00005.
gnomAD v4.1: 5 of 1,596,384 alleles (0.00031%); highest among the groups gnomAD compares: Non-Finnish European, 0.00026%; no homozygotes.

Submission:

Labcorp Genetics (formerly Invitae), Labcorp
Classification: Uncertain significance for Renal coloboma syndrome; Focal segmental glomerulosclerosis 7. Last evaluated: 2018-07-02. Review status: criteria provided, single submitter. Criteria: Invitae Variant Classification Sherloc (09022015). Collection method: clinical testing. Allele origin: germline.
Comment: In summary, the available evidence is currently insufficient to determine the role of this variant in disease. Therefore, it has been classified as a Variant of Uncertain Significance. Algorithms developed to predict the effect of missense changes on protein structure and function (SIFT, PolyPhen-2, Align-GVGD) all suggest that this variant is likely to be tolerated, but these predictions have not been confirmed by published functional studies and their clinical significance is uncertain. This variant has not been reported in the literature in individuals with PAX2-related disease. This variant is present in population databases (rs778742674, ExAC 0.1%). This sequence change replaces alanine with threonine at codon 154 of the PAX2 protein (p.Ala154Thr). The alanine residue is moderately conserved and there is a small physicochemical difference between alanine and threonine.

NM_000278.5(PAX2):c.460G>A (p.Ala154Thr)

Gene: PAX2 (paired box 2; plus strand). Cytogenetic location: 10q24.31.
Variant type: single nucleotide variant.
Coding change: c.460G>A on transcript NM_000278.5 (MANE Select); coding-DNA position 460, G replaced by A.
Protein change: p.Ala154Thr; replaces alanine 154 with threonine.
Molecular consequence: missense variant.
Genome position (GRCh38, 1-based): chr10:100,779,547, G>A. VCF-style: chr10-100779547-G-A. GRCh37 (hg19) VCF-style: chr10-102539304-G-A.
Other names: c.553G>A, p.Ala185Thr (NM_001304569.2); c.460G>A, p.Ala154Thr (NM_003987.5, NM_003988.5, NM_003989.5 and 1 more transcripts); short protein forms A185T, A154T.
Identifiers: ClinVar variation 657141 (VCV000657141.7), dbSNP rs778742674, ClinGen allele CA5650732.
Genomic context (GRCh38, chr10:100,779,547, plus strand): 5'-CGCTGTTGCAGAATCATCCGGACCAAAGTTCAGCAGCCTTTCCACCCAACGCCGGATGGG[G>A]CTGGGACAGGAGTGACCGCCCCTGGCCACACCATTGGTAAGAGGGCTCAGGGAAGGGGAG-3'
Protein context (NP_000269.3, residues 144-164): QQPFHPTPDG[Ala154Thr]GTGVTAPGHT